The following is an entry in ClinVar:

NM_000051.4(ATM):c.6133G>A (p.Ala2045Thr)

Genes: ATM (ATM serine/threonine kinase; plus strand), C11orf65 (chromosome 11 open reading frame 65; minus strand). Cytogenetic location: 11q22.3.
Variant type: single nucleotide variant.
Coding change: c.6133G>A on transcript NM_000051.4 (MANE Select); coding-DNA position 6133, G replaced by A.
Protein change: p.Ala2045Thr; replaces alanine 2045 with threonine.
Molecular consequence: missense variant. On other transcripts: intron variant (2).
Genome position (GRCh38, 1-based): chr11:108,316,048, G>A. VCF-style: chr11-108316048-G-A. GRCh37 (hg19) VCF-style: chr11-108186775-G-A.
Other names: c.6133G>A, p.Ala2045Thr (NM_001351834.2); c.641-6977C>T (NM_001330368.2); c.*39-6977C>T (NM_001351110.2); short protein forms A2045T.
Identifiers: ClinVar variation 834922 (VCV000834922.13), dbSNP rs2084616257, ClinGen allele CA382550491.

ClinVar aggregate classification (germline): Uncertain significance. Review status: criteria provided, multiple submitters, no conflicts (2 of 4 stars). 4 submissions from 4 submitters: Uncertain significance (4). Last evaluated 2025-07-25.

Conditions:
Hereditary cancer-predisposing syndrome. Also called: Tumor predisposition; Neoplastic Syndromes, Hereditary; Hereditary Cancer Syndrome; Hereditary neoplastic syndrome. Identifiers: Orphanet 140162, MedGen C0027672, MeSH D009386, MONDO:0015356.
Familial cancer of breast. Also called: Hereditary breast cancer; BREAST CANCER, FAMILIAL; hereditary breast carcinoma. Identifiers: Orphanet 227535, MedGen C0346153, MONDO:0016419, OMIM 114480. Disease mechanism: loss of function.
Ataxia-telangiectasia syndrome (AT). Also called: ATAXIA-TELANGIECTASIA, COMPLEMENTATION GROUP A; ATAXIA-TELANGIECTASIA, FRESNO VARIANT; Ataxia-telangiectasia; Ataxia-telangiectasia, complementation group D; AT, COMPLEMENTATION GROUP C; Ataxia-telangiectasia, complementation group E. Identifiers: Orphanet 100, MedGen C0004135, MONDO:0008840, OMIM 208900.

Submissions (4):

Ambry Genetics
Classification: Uncertain significance for Hereditary cancer-predisposing syndrome. Last evaluated: 2025-07-25. Review status: criteria provided, single submitter. Criteria: Ambry Variant Classification Scheme 2023. Collection method: clinical testing. Allele origin: germline.
Comment: The p.A2045T variant (also known as c.6133G>A), located in coding exon 41 of the ATM gene, results from a G to A substitution at nucleotide position 6133. The alanine at codon 2045 is replaced by threonine, an amino acid with similar properties. This amino acid position is conserved. In addition, the in silico prediction for this alteration is inconclusive. Since supporting evidence is limited at this time, the clinical significance of this alteration remains unclear.

Baylor Genetics
Classification: Uncertain significance for Familial cancer of breast. Last evaluated: 2024-02-03. Review status: criteria provided, single submitter. Criteria: ACMG Guidelines, 2015. Collection method: clinical testing. Allele origin: unknown.

Labcorp Genetics (formerly Invitae), Labcorp
Classification: Uncertain significance for Ataxia-telangiectasia syndrome. Last evaluated: 2023-04-08. Review status: criteria provided, single submitter. Criteria: Invitae Variant Classification Sherloc (09022015). Collection method: clinical testing. Allele origin: germline.
Comment: In summary, the available evidence is currently insufficient to determine the role of this variant in disease. Therefore, it has been classified as a Variant of Uncertain Significance. An algorithm developed to predict the effect of missense changes on protein structure and function (PolyPhen-2) suggests that this variant is likely to be disruptive. ClinVar contains an entry for this variant (Variation ID: 834922). This variant has not been reported in the literature in individuals affected with ATM-related conditions. This variant is not present in population databases (gnomAD no frequency). This sequence change replaces alanine, which is neutral and non-polar, with threonine, which is neutral and polar, at codon 2045 of the ATM protein (p.Ala2045Thr).

GeneDx
Classification: Uncertain significance. Last evaluated: 2022-04-21. Review status: criteria provided, single submitter. Criteria: GeneDx Variant Classification Process June 2021. Collection method: clinical testing. Allele origin: germline. Affected: yes.
Comment: Not observed in large population cohorts (gnomAD); In silico analysis supports that this missense variant has a deleterious effect on protein structure/function; Has not been previously reported as a pathogenic or benign germline variant to our knowledge; This variant is associated with the following publications: (PMID: Pardo2021[Thesis], 23532176)